The following is an entry in ClinVar:

NM_001130438.3(SPTAN1):c.1656G>C (p.Leu552Phe)

Gene: SPTAN1 (spectrin alpha, non-erythrocytic 1; plus strand). Cytogenetic location: 9q34.11.
Variant type: single nucleotide variant.
Coding change: c.1656G>C on transcript NM_001130438.3 (MANE Select); coding-DNA position 1656, G replaced by C.
Protein change: p.Leu552Phe; replaces leucine 552 with phenylalanine.
Molecular consequence: missense variant.
Genome position (GRCh38, 1-based): chr9:128,582,699, G>C. VCF-style: chr9-128582699-G-C. GRCh37 (hg19) VCF-style: chr9-131344978-G-C.
Other names: c.1656G>C, p.Leu552Phe (NM_001195532.2, NM_001363759.2, NM_001363765.2 and 5 more transcripts); c.1692G>C, p.Leu564Phe (NM_001375312.2, NM_001375318.1); short protein forms L564F, L552F.
Identifiers: ClinVar variation 2865494 (VCV002865494.4), dbSNP rs2541155182, ClinGen allele CA375054903.

ClinVar aggregate classification (germline): Uncertain significance (1 of 4 stars; one submission).

Conditions:
Early-infantile DEE. Also called: Ohtahara syndrome; Early infantile epileptic encephalopathy with suppression bursts; Early infantile epileptic encephalopathy. Identifiers: Orphanet 1934, MedGen C0393706, MONDO:0800491.

Submissions (2):

Labcorp Genetics (formerly Invitae), Labcorp
Classification: Uncertain significance for Early-infantile DEE. Last evaluated: 2023-05-18. Review status: criteria provided, single submitter. Criteria: Invitae Variant Classification Sherloc (09022015). Collection method: clinical testing. Allele origin: germline.
Comment: This variant is not present in population databases (gnomAD no frequency). In summary, the available evidence is currently insufficient to determine the role of this variant in disease. Therefore, it has been classified as a Variant of Uncertain Significance. Advanced modeling of protein sequence and biophysical properties (such as structural, functional, and spatial information, amino acid conservation, physicochemical variation, residue mobility, and thermodynamic stability) has been performed at Invitae for this missense variant, however the output from this modeling did not meet the statistical confidence thresholds required to predict the impact of this variant on SPTAN1 protein function. This variant has not been reported in the literature in individuals affected with SPTAN1-related conditions. This sequence change replaces leucine, which is neutral and non-polar, with phenylalanine, which is neutral and non-polar, at codon 552 of the SPTAN1 protein (p.Leu552Phe).

Dr. Peter K. Rogan Lab, Western University
No classification provided (evidence only). Condition: Lung cancer. Review status: no classification provided. Collection method: in vitro. Allele origin: not applicable. Functional consequence: retained intron. Not counted in ClinVar's aggregate classification.